The following is an entry in ClinVar:

ClinVar aggregate classification (germline): Uncertain significance (1 of 4 stars; one submission).

Allele frequency attached by ClinVar (database versions not stated): TOPMed below 0.00001.

Submission:

GeneDx
Classification: Uncertain significance. Last evaluated: 2023-02-02. Review status: criteria provided, single submitter. Criteria: GeneDx Variant Classification Process June 2021. Collection method: clinical testing. Allele origin: germline. Affected: yes.
Comment: Not observed in large population cohorts (gnomAD); In silico analysis supports that this missense variant has a deleterious effect on protein structure/function; Has not been previously published as pathogenic or benign to our knowledge

NM_016120.4(RLIM):c.379C>T (p.Arg127Trp)

Gene: RLIM (ring finger protein, LIM domain interacting; minus strand). Cytogenetic location: Xq13.2.
Variant type: single nucleotide variant.
Coding change: c.379C>T on transcript NM_016120.4 (MANE Select); coding-DNA position 379, C replaced by T.
Protein change: p.Arg127Trp; replaces arginine 127 with tryptophan.
Molecular consequence: missense variant.
Genome position (GRCh38, 1-based): chrX:74,592,936, G>A on the plus strand (C>T on the coding strand, the complement: RLIM is on the minus strand). VCF-style: chrX-74592936-G-A. GRCh37 (hg19) VCF-style: chrX-73812771-G-A.
Other names: c.379C>T, p.Arg127Trp (NM_183353.3); short protein forms R127W.
Identifiers: ClinVar variation 2428961 (VCV002428961.3), dbSNP rs2079623239, ClinGen allele CA413662510.